The following is an entry in ClinVar:

ClinVar aggregate classification (germline): Likely benign. Review status: criteria provided, multiple submitters, no conflicts (2 of 4 stars). 4 submissions from 4 submitters: Likely benign (4). Last evaluated 2026-08-01.

Allele frequency attached by ClinVar (database versions not stated): 1000 Genomes Project 0.00180; 1000 Genomes Project 30x 0.00187; gnomAD 0.00272 and 0.00274; ExAC 0.00298; gnomAD exomes 0.00299 and 0.00429; TOPMed 0.00308; ESP Exome Variant Server 0.00323.

Submissions (4):

CeGaT Center for Human Genetics Tuebingen
Classification: Likely benign. Last evaluated: 2026-08-01. Review status: criteria provided, single submitter. Criteria: CeGaT Center For Human Genetics Tuebingen Variant Classification Criteria Version 2. Collection method: clinical testing. Allele origin: germline. Affected: yes. Observed: 9 variant alleles.
Comment: TKT: BP4, BS2

Blueprint Genetics
Classification: Likely benign. Last evaluated: 2024-11-26. Review status: criteria provided, single submitter. Criteria: ACMG Guidelines, 2015. Collection method: clinical testing. Allele origin: germline.

Labcorp Genetics (formerly Invitae), Labcorp
Classification: Likely benign. Last evaluated: 2019-12-31. Review status: criteria provided, single submitter. Criteria: Invitae Variant Classification Sherloc (09022015). Collection method: clinical testing. Allele origin: germline.

Breakthrough Genomics
Classification: Likely benign. Review status: criteria provided, single submitter. Criteria: ACMG Guidelines, 2015. Collection method: not provided. Allele origin: germline. Inheritance: Autosomal recessive inheritance. Affected: yes.

NM_001064.4(TKT):c.600C>A (p.Asp200Glu)

Gene: TKT (transketolase; minus strand). Cytogenetic location: 3p21.1.
Variant type: single nucleotide variant.
Coding change: c.600C>A on transcript NM_001064.4 (MANE Select); coding-DNA position 600, C replaced by A.
Protein change: p.Asp200Glu; replaces aspartic acid 200 with glutamic acid.
Molecular consequence: missense variant. On other transcripts: non-coding transcript variant (1).
Genome position (GRCh38, 1-based): chr3:53,235,012, G>T on the plus strand (C>A on the coding strand, the complement: TKT is on the minus strand). VCF-style: chr3-53235012-G-T. GRCh37 (hg19) VCF-style: chr3-53269028-G-T.
Other names: c.600C>A, p.Asp200Glu (NM_001135055.3); c.624C>A, p.Asp208Glu (NM_001258028.2); short protein forms D208E, D200E.
Identifiers: ClinVar variation 774422 (VCV000774422.13), dbSNP rs150551962, ClinGen allele CA2452834.